The following is an entry in ClinVar:

NM_014712.3(SETD1A):c.3797G>A (p.Arg1266His)

Gene: SETD1A (SET domain containing 1A, histone lysine methyltransferase; plus strand). Cytogenetic location: 16p11.2.
Variant type: single nucleotide variant.
Coding change: c.3797G>A on transcript NM_014712.3 (MANE Select); coding-DNA position 3797, G replaced by A.
Protein change: p.Arg1266His; replaces arginine 1266 with histidine.
Molecular consequence: missense variant.
Genome position (GRCh38, 1-based): chr16:30,979,583, G>A. VCF-style: chr16-30979583-G-A. GRCh37 (hg19) VCF-style: chr16-30990904-G-A.
Other names: short protein forms R1266H.
Identifiers: ClinVar variation 4630543 (VCV004630543.5).

ClinVar aggregate classification (germline): Likely benign. Review status: criteria provided, multiple submitters, no conflicts (2 of 4 stars). 2 submissions from 2 submitters: Likely benign (2). Last evaluated 2025-12-03.

Conditions:
Inborn genetic diseases. Identifiers: MedGen C0950123, MeSH D030342.

Submissions (2):

Ambry Genetics
Classification: Likely benign for Inborn genetic diseases. Last evaluated: 2025-12-03. Review status: criteria provided, single submitter. Criteria: Ambry Variant Classification Scheme 2023. Collection method: clinical testing. Allele origin: germline.

CeGaT Center for Human Genetics Tuebingen
Classification: Likely benign. Last evaluated: 2025-12-01. Review status: criteria provided, single submitter. Criteria: CeGaT Center For Human Genetics Tuebingen Variant Classification Criteria Version 2. Collection method: clinical testing. Allele origin: germline. Affected: yes. Observed: 1 variant allele.
Comment: SETD1A: BS2